The following is an entry in ClinVar:

NM_000155.4(GALT):c.406G>C (p.Asp136His)

Gene: GALT (galactose-1-phosphate uridylyltransferase; plus strand). Cytogenetic location: 9p13.3.
Variant type: single nucleotide variant.
Coding change: c.406G>C on transcript NM_000155.4 (MANE Select); coding-DNA position 406, G replaced by C.
Protein change: p.Asp136His; replaces aspartic acid 136 with histidine.
Molecular consequence: missense variant.
Genome position (GRCh38, 1-based): chr9:34,647,860, G>C. VCF-style: chr9-34647860-G-C. GRCh37 (hg19) VCF-style: chr9-34647857-G-C.
Other names: c.79G>C, p.Asp27His (NM_001258332.2); short protein forms D136H, D27H.
Identifiers: ClinVar variation 2230701 (VCV002230701.4), dbSNP rs794727699, ClinGen allele CA373280665.

ClinVar aggregate classification (germline): Conflicting classifications of pathogenicity. Review status: criteria provided, conflicting classifications (1 of 4 stars). 3 submissions from 3 submitters: Likely pathogenic (2); Uncertain significance (1). Last evaluated 2025-09-30.

Conditions:
Deficiency of UDPglucose-hexose-1-phosphate uridylyltransferase. Also called: GALACTOSEMIA I; GALACTOSE-1-PHOSPHATE URIDYLYLTRANSFERASE DEFICIENCY; GALT deficiency; Galactosemia, classic; Transferase Deficiency Galactosemia. Identifiers: Orphanet 352, Orphanet 79239, MedGen C0268151, MONDO:0009258, OMIM 230400.
Inborn genetic diseases. Identifiers: MedGen C0950123, MeSH D030342.

Submissions (3):

Women's Health and Genetics/Laboratory Corporation of America, LabCorp
Classification: Uncertain significance. Last evaluated: 2025-09-30. Review status: criteria provided, single submitter. Criteria: LabCorp Variant Classification Summary - May 2015. Collection method: clinical testing. Allele origin: germline.
Comment: Variant summary: GALT c.406G>C (p.Asp136His) results in a non-conservative amino acid change in the encoded protein sequence. Algorithms developed to predict the effect of missense changes on protein structure and function all suggest that this variant is likely to be disruptive. The variant was absent in 251490 control chromosomes. c.406G>C has been observed in compound heterozygous genotype in an individual affected with Galactosemia (Boutron_2012). These data do not allow any conclusion about variant significance. At least one publication reports experimental evidence evaluating an impact on protein function and the most pronounced variant effect results in 21% of normal activity (Demirbas_2019). The following publications have been ascertained in the context of this evaluation (PMID: 22944367, 30718057). ClinVar contains an entry for this variant (Variation ID: 2230701). Based on the evidence outlined above, the variant was classified as VUS-possibly pathogenic.

Labcorp Genetics (formerly Invitae), Labcorp
Classification: Likely pathogenic for Deficiency of UDPglucose-hexose-1-phosphate uridylyltransferase. Last evaluated: 2025-08-03. Review status: criteria provided, single submitter. Criteria: Invitae Variant Classification Sherloc (09022015). Collection method: clinical testing. Allele origin: germline.
Comment: This sequence change replaces aspartic acid, which is acidic and polar, with histidine, which is basic and polar, at codon 136 of the GALT protein (p.Asp136His). This variant is not present in population databases (gnomAD no frequency). This missense change has been observed in individual(s) with clinical features of GALT-related conditions (PMID: 22944367, 30718057). ClinVar contains an entry for this variant (Variation ID: 2230701). Invitae Evidence Modeling of protein sequence and biophysical properties (such as structural, functional, and spatial information, amino acid conservation, physicochemical variation, residue mobility, and thermodynamic stability) indicates that this missense variant is expected to disrupt GALT protein function with a positive predictive value of 95%. Algorithms developed to predict the effect of sequence changes on RNA splicing suggest that this variant may disrupt the consensus splice site. In summary, the currently available evidence indicates that the variant is pathogenic, but additional data are needed to prove that conclusively. Therefore, this variant has been classified as Likely Pathogenic.

Ambry Genetics
Classification: Likely pathogenic for Inborn genetic diseases. Last evaluated: 2021-05-25. Review status: criteria provided, single submitter. Criteria: Ambry Variant Classification Scheme 2023. Collection method: clinical testing. Allele origin: germline.
Comment: The c.406G>C (p.D136H) alteration is located in exon 5 (coding exon 5) of the GALT gene. This alteration results from a G to C substitution at nucleotide position 406, causing the aspartic acid (D) at amino acid position 136 to be replaced by a histidine (H). Based on data from the Genome Aggregation Database (gnomAD), the GALT c.406G>C alteration was not observed, with coverage at this position. This alteration has been reported in the compound heterozygous state with another GALT mutation in patients with reduced or absent GALT enzyme activity (Boutron, 2012; Demirbas, 2019). This amino acid position is highly conserved in available vertebrate species. The p.D136H alteration is predicted to be deleterious by in silico analysis. Based on the available evidence, this alteration is classified as likely pathogenic.

Literature cited by the submitters: PubMed 22944367 (cited by 3 submitters); PubMed 30718057 (cited by 3 submitters).